The following is an entry in ClinVar:

ClinVar aggregate classification (germline): Conflicting classifications of pathogenicity. Review status: criteria provided, conflicting classifications (1 of 4 stars). 2 submissions from 2 submitters: Uncertain significance (1); Likely benign (1). Last evaluated 2024-10-03.

Conditions:
Gorlin syndrome. Also called: Basal cell nevus syndrome; Nevoid Basal Cell Carcinoma Syndrome. Identifiers: Orphanet 377, MedGen C0004779, MONDO:0007187.

Submissions (2):

Labcorp Genetics (formerly Invitae), Labcorp
Classification: Likely benign for Gorlin syndrome. Last evaluated: 2024-10-03. Review status: criteria provided, single submitter. Criteria: Invitae Variant Classification Sherloc (09022015). Collection method: clinical testing. Allele origin: germline.

GeneDx
Classification: Uncertain significance. Last evaluated: 2016-07-19. Review status: criteria provided, single submitter. Criteria: GeneDx Variant Classification (06012015). Collection method: clinical testing. Allele origin: germline. Affected: yes.
Comment: The c.1665_1666 TG>CA variant in the PTCH1 gene has not been reported previously as a pathogenic variant, nor as a benign variant, to our knowledge. The c.1665_1666 TG>CA variant was not observed in approximately 6500 individuals of European and African American ancestry in the NHLBI Exome Sequencing Project, indicating it is not a common benign variant in these populations. The c.1665_1666 TG>CA variant causes a substitution of Valine for Isoleucine at codon 556, denoted p.Val556Ile. This is a conservative amino acid substitution, which is not likely to impact secondary protein structure as these residues share similar properties. This substitution occurs at a position where amino acids with similar properties to Valine are tolerated across species. In silico analysis is inconsistent in its predictions as to whether or not the variant is damaging to the protein structure/function. We interpret c.1665_1666 TG>CA as a variant of uncertain significance.

NM_000264.5(PTCH1):c.1665_1666inv (p.Val556Ile)

Gene: PTCH1 (patched 1; minus strand). Cytogenetic location: 9q22.32.
Variant type: Inversion.
Coding change: c.1665_1666inv on transcript NM_000264.5 (MANE Select).
Protein change: p.Val556Ile; replaces valine 556 with isoleucine.
Molecular consequence: missense variant. On other transcripts: non-coding transcript variant (1).
Genome position: GRCh38 VCF-style: chr9-95476096-CA-TG. GRCh37 (hg19) VCF-style: chr9-98238378-CA-TG.
Other names: c.1467_1468inv, p.Val490Ile (NM_001083602.3); c.1662_1663inv, p.Val555Ile (NM_001083603.3); c.1212_1213inv, p.Val405Ile (NM_001083604.3, NM_001083605.3, NM_001083606.3 and 1 more transcripts); c.1509_1510inv, p.Val504Ile (NM_001354918.2); short protein forms V490I, V504I, V405I, V556I, V555I.
Identifiers: ClinVar variation 421814 (VCV000421814.3), ClinGen allele CA16618906.
Genomic context (GRCh38, chr9:95,476,096, plus strand): 5'-GGAGGGAGAACGCCCGCAGAGCGGGAATTGGGATTAACGCGGCCATGAAGAAGGCTGTGA[CA>TG]TTGCTGATGGACGTGAGGGCCACGCTGGCTCCTGTGCGCTTCAGGCACTCCCCGGTCCTG-3'
Protein context (NP_000255.2, residues 546-566): ASVALTSISN[Val556Ile]TAFFMAALIP